The following is an entry in ClinVar:

ClinVar aggregate classification (germline): Uncertain significance (0 of 4 stars; one submission).

Conditions:
Polycystic kidney disease. Also called: Polycystic kidney dysplasia; Kidney, Polycystic. Identifiers: MedGen C0022680, MeSH D007690, MONDO:0020642, HP:0000113.

Submission:

Department of Pathology and Laboratory Medicine, Sinai Health System
Classification: Uncertain significance for Polycystic Kidney disease. Review status: no assertion criteria provided. Collection method: clinical testing. Allele origin: unknown. Affected: yes. Study: The Canadian Open Genetics Repository (COGR).
Comment: The PKD1 p.Ile2697_Leu2698delinsMet variant was not identified in the literature nor was it identified in the dbSNP, ClinVar, GeneInsight-COGR, LOVD 3.0, ADPKD Mutation Database, or PKD1-LOVD databases. The variant was not identified in the following control databases: the 1000 Genomes Project, the NHLBI GO Exome Sequencing Project, the Exome Aggregation Consortium (August 8th 2016) or the Genome Aggregation Database (Feb 27, 2017). This variant is an in-frame deletion resulting in the removal of an isoleucine (Ile) residue at codon 2697; the impact of this alteration on PKD1 protein function is not known. The variant occurs outside of the splicing consensus sequence and 3 of 5 in silico or computational prediction software programs (SpliceSiteFinder, MaxEntScan, NNSPLICE, GeneSplicer, HumanSpliceFinder) predict a greater than 10% difference in splicing. However, this information is not predictive enough to assume pathogenicity. In summary, based on the above information the clinical significance of this variant cannot be determined with certainty at this time. This variant is classified as a variant of uncertain significance.

NM_001009944.3(PKD1):c.8091_8093del (p.Ile2697_Leu2698delinsMet)

Gene: PKD1 (polycystin 1, transient receptor potential channel interacting; minus strand). Cytogenetic location: 16p13.3.
Variant type: Deletion.
Coding change: c.8091_8093del on transcript NM_001009944.3 (MANE Select); coding-DNA positions 8091 to 8093, 3 bases deleted (CCT; older notation c.8091_8093delCCT).
Protein change: p.Ile2697_Leu2698delinsMet.
Molecular consequence: inframe indel.
Genome position (GRCh38, 1-based): chr16:2,104,566-2,104,568, AGG deleted on the plus strand (CCT on the coding strand, the reverse complement: PKD1 is on the minus strand); deleting any 3 consecutive bases within chr16:2,104,566-2,104,569 gives the same sequence; the c. name uses the placement nearest the transcript's 3' end. VCF-style (leftmost placement, unchanged base first): chr16-2104565-CAGG-C. GRCh37 (hg19) VCF-style: chr16-2154566-CAGG-C.
Other names: c.8091_8093del, p.Ile2697_Leu2698delinsMet (NM_000296.4).
Identifiers: ClinVar variation 997202 (VCV000997202.1), dbSNP rs2092261350, ClinGen allele CA2202026934.